The following is an entry in ClinVar:

NM_006766.5(KAT6A):c.3660C>T (p.Pro1220=)

Gene: KAT6A (lysine acetyltransferase 6A; minus strand). Cytogenetic location: 8p11.21.
Variant type: single nucleotide variant.
Coding change: c.3660C>T on transcript NM_006766.5 (MANE Select); coding-DNA position 3660, C replaced by T.
Protein change: p.Pro1220=; no amino-acid change (proline 1220 retained).
Molecular consequence: synonymous variant.
Genome position (GRCh38, 1-based): chr8:41,934,560, G>A on the plus strand (C>T on the coding strand, the complement: KAT6A is on the minus strand). VCF-style: chr8-41934560-G-A. GRCh37 (hg19) VCF-style: chr8-41792078-G-A.
Identifiers: ClinVar variation 730577 (VCV000730577.11), dbSNP rs113809048, ClinGen allele CA4729636.

ClinVar aggregate classification (germline): Benign/Likely benign. Review status: criteria provided, multiple submitters, no conflicts (2 of 4 stars). 3 submissions from 3 submitters: Benign (2); Likely benign (1). Last evaluated 2025-11-25.

Conditions:
KAT6A-related disorder. Also called: KAT6A-related condition.

Allele frequency attached by ClinVar (database versions not stated): 1000 Genomes Project 30x 0.00016; 1000 Genomes Project 0.00020; ExAC 0.00021; TOPMed 0.00030; gnomAD 0.00031 and 0.00034; ESP Exome Variant Server 0.00046.
gnomAD v4.1: 123 of 1,613,814 alleles (0.0076%); highest among the groups gnomAD compares: African/African-American, 0.11%; no homozygotes.

Submissions (3):

Labcorp Genetics (formerly Invitae), Labcorp
Classification: Benign. Last evaluated: 2025-11-25. Review status: criteria provided, single submitter. Criteria: Invitae Variant Classification Sherloc (09022015). Collection method: clinical testing. Allele origin: germline.

PreventionGenetics, part of Exact Sciences
Classification: Likely benign for KAT6A-related condition. Last evaluated: 2025-10-31. Review status: criteria provided, single submitter. Criteria: ACMG Guidelines, 2015. Collection method: clinical testing. Allele origin: germline.
Comment: This variant is classified as likely benign based on ACMG/AMP sequence variant interpretation guidelines (Richards et al. 2015 PMID: 25741868, with internal and published modifications).

GeneDx
Classification: Benign. Last evaluated: 2021-04-08. Review status: criteria provided, single submitter. Criteria: GeneDx Variant Classification Process June 2021. Collection method: clinical testing. Allele origin: germline. Affected: yes.